The following is an entry in ClinVar:

NM_005609.4(PYGM):c.463G>A (p.Ala155Thr)

Gene: PYGM (glycogen phosphorylase, muscle associated; minus strand). Cytogenetic location: 11q13.1.
Variant type: single nucleotide variant.
Coding change: c.463G>A on transcript NM_005609.4 (MANE Select); coding-DNA position 463, G replaced by A.
Protein change: p.Ala155Thr; replaces alanine 155 with threonine.
Molecular consequence: missense variant. On other transcripts: intron variant (1).
Genome position (GRCh38, 1-based): chr11:64,758,311, C>T on the plus strand (G>A on the coding strand, the complement: PYGM is on the minus strand). VCF-style: chr11-64758311-C-T. GRCh37 (hg19) VCF-style: chr11-64525783-C-T.
Other names: c.244-45G>A (NM_001164716.1); short protein forms A155T.
Identifiers: ClinVar variation 990056 (VCV000990056.3), dbSNP rs753687960, ClinGen allele CA6080243.
Genomic context (GRCh38, chr11:64,758,311, plus strand): 5'-AGCCCCCGGAGATCTTCTGGTTAAAAATCCCAAACTCATAGCGAATCCCGTAGCCATAGG[C>T]GGCCAGGCCCAGTGTTGCCATGGAGTCAAGAAAGCAGGCTGGGGGTGTGCAGGGAGGTGG-3'
Protein context (NP_005600.1, residues 145-165): LDSMATLGLA[Ala155Thr]YGYGIRYEFG

ClinVar aggregate classification (germline): Uncertain significance. Review status: criteria provided, single submitter (1 of 4 stars). 2 submissions from 2 submitters: Uncertain significance (1). 1 of the submissions does not count toward it. Last evaluated 2022-03-04.

Conditions:
Glycogen storage disease, type V (GSD5). Also called: PYGM DEFICIENCY; McArdle type glycogen storage disease; MCARDLE DISEASE; MUSCLE GLYCOGEN PHOSPHORYLASE DEFICIENCY; MYOPHOSPHORYLASE DEFICIENCY. Identifiers: Orphanet 368, MedGen C0017924, MONDO:0009293, OMIM 232600.

Allele frequency attached by ClinVar (database versions not stated): gnomAD 0.00001; gnomAD exomes 0.00001 and 0.00005; TOPMed 0.00001; ExAC 0.00006.
gnomAD v4.1: 23 of 1,614,096 alleles (0.0014%); highest among the groups gnomAD compares: East Asian, 0.022%; no homozygotes.

Submissions (2):

Labcorp Genetics (formerly Invitae), Labcorp
Classification: Uncertain significance for Glycogen storage disease, type V. Last evaluated: 2022-03-04. Review status: criteria provided, single submitter. Criteria: Invitae Variant Classification Sherloc (09022015). Collection method: clinical testing. Allele origin: germline.
Comment: This sequence change replaces alanine, which is neutral and non-polar, with threonine, which is neutral and polar, at codon 155 of the PYGM protein (p.Ala155Thr). This variant is present in population databases (rs753687960, gnomAD 0.04%). This variant has not been reported in the literature in individuals affected with PYGM-related conditions. ClinVar contains an entry for this variant (Variation ID: 990056). Algorithms developed to predict the effect of missense changes on protein structure and function are either unavailable or do not agree on the potential impact of this missense change (SIFT: "Not Available"; PolyPhen-2: "Possibly Damaging"; Align-GVGD: "Not Available"). In summary, the available evidence is currently insufficient to determine the role of this variant in disease. Therefore, it has been classified as a Variant of Uncertain Significance.

Natera, Inc.
Classification: Uncertain significance for Glycogen storage disease V. Last evaluated: 2020-04-14. Review status: no assertion criteria provided. Collection method: clinical testing. Allele origin: germline. Not counted in ClinVar's aggregate classification.